The following is an entry in ClinVar:

NM_001040142.2(SCN2A):c.4303C>G (p.Arg1435Gly)

Gene: SCN2A (sodium voltage-gated channel alpha subunit 2; plus strand). Cytogenetic location: 2q24.3.
Variant type: single nucleotide variant.
Coding change: c.4303C>G on transcript NM_001040142.2 (MANE Select); coding-DNA position 4303, C replaced by G.
Protein change: p.Arg1435Gly; replaces arginine 1435 with glycine.
Molecular consequence: missense variant.
Genome position (GRCh38, 1-based): chr2:165,377,645, C>G. VCF-style: chr2-165377645-C-G. GRCh37 (hg19) VCF-style: chr2-166234155-C-G.
Other names: p.R1435G:CGA>GGA; c.4303C>G, p.Arg1435Gly (NM_001040143.2, NM_001371246.1, NM_001371247.1 and 1 more transcripts); short protein forms R1435G.
Identifiers: ClinVar variation 207000 (VCV000207000.2), dbSNP rs796053138, ClinGen allele CA317965.

ClinVar aggregate classification (germline): Uncertain significance (1 of 4 stars; one submission).

Submission:

GeneDx
Classification: Uncertain significance. Last evaluated: 2017-02-28. Review status: criteria provided, single submitter. Criteria: GeneDx Variant Classification (06012015). Collection method: clinical testing. Allele origin: germline. Affected: yes.
Comment: p.Arg1435Gly (CGA>GGA): c.4303 C>G in exon 23 of the SCN2A gene (NM_021007.2). The Arg1435Gly missense change has not been published as a mutation, nor has it been reported as a benign polymorphism to our knowledge. It was not observed in approximately 6,500 individuals of European and African American ancestry in the NHLBI Exome Sequencing Project, indicating it is not a common benign variant in these populations. This variant is a non-conservative amino acid substitution of a positively charged Arginine residue with an uncharged, non-polar Glycine residue. It alters a position in the loop between the S5 and S6 segments of the third transmembrane domain that is conserved across species, and in silico analysis predicts this variant is probably damaging to the protein structure/function. Therefore, based on the currently available information, it is unclear whether Arg1435Gly is a disease-causing mutation or a rare benign variant. The variant is found in EPILEPSY panel(s).